The following is an entry in ClinVar:

ClinVar aggregate classification (germline): Uncertain significance (1 of 4 stars; one submission).

Conditions:
Generalized epilepsy with febrile seizures plus, type 7 (GEFSP7). Also called: GEFS+, TYPE 7. Identifiers: Orphanet 36387, MedGen C2751778, MONDO:0013470, OMIM 613863.
Neuropathy, hereditary sensory and autonomic, type 2A (HSAN2A). Also called: HSAN IIA; WNK1-Related HSAN2 (HSAN2A); MORVAN DISEASE; NEUROPATHY, CONGENITAL SENSORY; NEUROPATHY, HEREDITARY SENSORY RADICULAR, AUTOSOMAL RECESSIVE; NEUROPATHY, HEREDITARY SENSORY, TYPE IIA. Identifiers: Orphanet 970, MedGen C2752089, MONDO:0024309, OMIM 201300.

Submission:

Labcorp Genetics (formerly Invitae), Labcorp
Classification: Uncertain significance for Neuropathy, hereditary sensory and autonomic, type 2A; Generalized epilepsy with febrile seizures plus, type 7. Last evaluated: 2021-10-20. Review status: criteria provided, single submitter. Criteria: Invitae Variant Classification Sherloc (09022015). Collection method: clinical testing. Allele origin: germline.
Comment: In summary, the available evidence is currently insufficient to determine the role of this variant in disease. Therefore, it has been classified as a Variant of Uncertain Significance. Algorithms developed to predict the effect of missense changes on protein structure and function (SIFT, PolyPhen-2, Align-GVGD) all suggest that this variant is likely to be disruptive. This variant has not been reported in the literature in individuals affected with SCN9A-related conditions. This variant is not present in population databases (ExAC no frequency). This sequence change replaces valine with aspartic acid at codon 1542 of the SCN9A protein (p.Val1542Asp). The valine residue is highly conserved and there is a large physicochemical difference between valine and aspartic acid.

NM_001365536.1(SCN9A):c.4658T>A (p.Val1553Asp)

Genes: SCN1A-AS1 (SCN1A and SCN9A antisense RNA 1; plus strand), SCN9A (sodium voltage-gated channel alpha subunit 9; minus strand). Cytogenetic location: 2q24.3.
Variant type: single nucleotide variant.
Coding change: c.4658T>A on transcript NM_001365536.1 (MANE Select); coding-DNA position 4658, T replaced by A.
Protein change: p.Val1553Asp; replaces valine 1553 with aspartic acid.
Molecular consequence: missense variant.
Genome position (GRCh38, 1-based): chr2:166,204,071, A>T on the plus strand (T>A on the coding strand, the complement: SCN9A is on the minus strand). VCF-style: chr2-166204071-A-T. GRCh37 (hg19) VCF-style: chr2-167060581-A-T.
Other names: c.4625T>A, p.Val1542Asp (NM_002977.4); short protein forms V1542D, V1553D.
Identifiers: ClinVar variation 1480923 (VCV001480923.6), dbSNP rs1693673469, ClinGen allele CA349057519.